The following is an entry in ClinVar:

ClinVar aggregate classification (germline): Uncertain significance (1 of 4 stars; one submission).

Conditions:
Familial hypocalciuric hypercalcemia (FHH). Also called: Familial benign hypercalcemia. Identifiers: Orphanet 405, MedGen C1809471, MONDO:0018458.
Autosomal dominant hypocalcemia 1 (HYPOC1). Also called: HYPOCALCEMIA, FAMILIAL. Identifiers: MedGen C3715128, MONDO:0011013, OMIM 601198.

Submission:

Labcorp Genetics (formerly Invitae), Labcorp
Classification: Uncertain significance for Familial hypocalciuric hypercalcemia; Autosomal dominant hypocalcemia 1. Last evaluated: 2021-12-02. Review status: criteria provided, single submitter. Criteria: Invitae Variant Classification Sherloc (09022015). Collection method: clinical testing. Allele origin: germline.
Comment: This sequence change replaces phenylalanine, which is neutral and non-polar, with valine, which is neutral and non-polar, at codon 775 of the CASR protein (p.Phe775Val). In summary, the available evidence is currently insufficient to determine the role of this variant in disease. Therefore, it has been classified as a Variant of Uncertain Significance. Algorithms developed to predict the effect of missense changes on protein structure and function are either unavailable or do not agree on the potential impact of this missense change (SIFT: "Deleterious"; PolyPhen-2: "Benign"; Align-GVGD: "Class C0"). This variant has not been reported in the literature in individuals affected with CASR-related conditions. This variant is not present in population databases (gnomAD no frequency).

NM_000388.4(CASR):c.2323T>G (p.Phe775Val)

Gene: CASR (calcium sensing receptor; plus strand). Cytogenetic location: 3q21.1.
Variant type: single nucleotide variant.
Coding change: c.2323T>G on transcript NM_000388.4 (MANE Select); coding-DNA position 2323, T replaced by G.
Protein change: p.Phe775Val; replaces phenylalanine 775 with valine.
Molecular consequence: missense variant.
Genome position (GRCh38, 1-based): chr3:122,284,277, T>G. VCF-style: chr3-122284277-T-G. GRCh37 (hg19) VCF-style: chr3-122003124-T-G.
Other names: c.2353T>G, p.Phe785Val (NM_001178065.2); short protein forms F785V, F775V.
Identifiers: ClinVar variation 2025532 (VCV002025532.4), dbSNP rs2473279449, ClinGen allele CA354159509.